The following is an entry in ClinVar:

ClinVar aggregate classification (germline): Benign/Likely benign. Review status: criteria provided, multiple submitters, no conflicts (2 of 4 stars). 3 submissions from 3 submitters: Benign (1); Likely benign (2). Last evaluated 2026-01-29.

Allele frequency attached by ClinVar (database versions not stated): 1000 Genomes Project 0.00040; 1000 Genomes Project 30x 0.00047; gnomAD 0.00070 and 0.00071; TOPMed 0.00106; gnomAD exomes 0.00109 and 0.00127; ESP Exome Variant Server 0.00131; ExAC 0.00135.
gnomAD v4.1: 1,698 of 1,612,618 alleles (0.11%); highest among the groups gnomAD compares: Admixed American, 0.34%; 4 homozygotes.

Submissions (3):

Labcorp Genetics (formerly Invitae), Labcorp
Classification: Benign. Last evaluated: 2026-01-29. Review status: criteria provided, single submitter. Criteria: Invitae Variant Classification Sherloc (09022015). Collection method: clinical testing. Allele origin: germline.

Blueprint Genetics
Classification: Likely benign. Last evaluated: 2024-11-26. Review status: criteria provided, single submitter. Criteria: ACMG Guidelines, 2015. Collection method: clinical testing. Allele origin: germline.

GeneDx
Classification: Likely benign. Last evaluated: 2017-08-03. Review status: criteria provided, single submitter. Criteria: GeneDx Variant Classification (06012015). Collection method: clinical testing. Allele origin: germline. Affected: yes.
Comment: This variant is considered likely benign or benign based on one or more of the following criteria: it is a conservative change, it occurs at a poorly conserved position in the protein, it is predicted to be benign by multiple in silico algorithms, and/or has population frequency not consistent with disease.

NM_024876.4(COQ8B):c.1035+13G>C

Gene: COQ8B (coenzyme Q8B; minus strand). Cytogenetic location: 19q13.2.
Variant type: single nucleotide variant.
Coding change: c.1035+13G>C on transcript NM_024876.4 (MANE Select); 13 bases into the intron after coding-DNA position 1035, G replaced by C.
Molecular consequence: intron variant.
Genome position (GRCh38, 1-based): chr19:40,700,297, C>G on the plus strand (G>C on the coding strand, the complement: COQ8B is on the minus strand). VCF-style: chr19-40700297-C-G. GRCh37 (hg19) VCF-style: chr19-41206202-C-G.
Other names: c.912+13G>C (NM_001142555.3).
Identifiers: ClinVar variation 386073 (VCV000386073.10), dbSNP rs202196406, ClinGen allele CA9450187.